The following is an entry in ClinVar:

ClinVar aggregate classification (germline): Pathogenic/Likely pathogenic. Review status: criteria provided, multiple submitters, no conflicts (2 of 4 stars). 3 submissions from 3 submitters: Pathogenic (2); Likely pathogenic (1). Last evaluated 2025-01-31.

Conditions:
Pendred syndrome (PDS). Also called: THYROID DYSHORMONOGENESIS 2B; THYROID HORMONOGENESIS, GENETIC DEFECT IN, 2B; Pendred Syndrome (PDS); DEAFNESS WITH GOITER; GOITER-DEAFNESS SYNDROME; HYPOTHYROIDISM, CONGENITAL, DUE TO DYSHORMONOGENESIS, 2B. Identifiers: Orphanet 705, MedGen C0271829, MONDO:0010134, OMIM 274600.
Autosomal recessive nonsyndromic hearing loss 4 (DFNB4). Also called: FOXI1-Related Pendred Syndrome; KCNJ10-Related Pendred Syndrome; NEUROSENSORY NONSYNDROMIC RECESSIVE DEAFNESS 4; Deafness, autosomal recessive 4; Nonsyndromic enlarged vestibular aqueduct (NSEVA); DEAFNESS, AUTOSOMAL RECESSIVE 4, WITH ENLARGED VESTIBULAR AQUEDUCT, DIGENIC. Identifiers: Orphanet 90636, MedGen C3538946, MONDO:0010933, OMIM 600791.

Submissions (3):

Natera, Inc.
Classification: Pathogenic for Pendred syndrome. Last evaluated: 2025-01-31. Review status: criteria provided, single submitter. Criteria: Natera Variant Classification Schema (03/2026). Collection method: clinical testing. Allele origin: germline.
Comment: The c.1149+1G>A variant in SLC26A4 is a canonical splice donor site variant predicted to affect pre-mRNA splicing, which may result in an abnormal transcript and altered protein product. This variant is expected to result in nonsense mediated decay, truncation, or a dysfunctional protein product. This variant is rare in the general population with a frequency below the threshold expected for the associated phenotype(s). This variant has been observed in one or more individuals affected with the associated recessive disease, as either homozygous or compound heterozygous with a second variant (PMID: 21961810, 36568381). Given the available evidence, this variant is classified as Pathogenic.

Precision Medicine Center, Zhengzhou University
Classification: Likely pathogenic for Autosomal recessive nonsyndromic hearing loss 4. Last evaluated: 2024-06-01. Review status: criteria provided, single submitter. Criteria: ACMG Guidelines, 2015. Collection method: clinical testing. Allele origin: inherited. Inheritance: Autosomal recessive inheritance. Affected: yes. Observed: 1 variant allele.

Baylor Genetics
Classification: Pathogenic for Autosomal recessive nonsyndromic hearing loss 4. Last evaluated: 2022-12-13. Review status: criteria provided, single submitter. Criteria: ACMG Guidelines, 2015. Collection method: clinical testing. Allele origin: unknown.

Literature cited by the submitters: PubMed 21961810 (cited by Natera, Inc.); PubMed 36568381 (cited by Natera, Inc.); PubMed 30311386 (cited by Precision Medicine Center, Zhengzhou University).

NM_000441.2(SLC26A4):c.1149+1G>A

Gene: SLC26A4 (solute carrier family 26 member 4; plus strand). Cytogenetic location: 7q22.3.
Variant type: single nucleotide variant.
Coding change: c.1149+1G>A on transcript NM_000441.2 (MANE Select); the canonical splice donor site of the intron after coding-DNA position 1149, G replaced by A.
Molecular consequence: splice donor variant.
Genome position (GRCh38, 1-based): chr7:107,689,201, G>A. VCF-style: chr7-107689201-G-A. GRCh37 (hg19) VCF-style: chr7-107329646-G-A.
Other names: c.1149+1G>A (NM_000441.1).
Identifiers: ClinVar variation 2678936 (VCV002678936.4), dbSNP rs2535317969, ClinGen allele CA368838972.